The following is an entry in ClinVar:

NM_182641.4(BPTF):c.7942G>C (p.Asp2648His)

Gene: BPTF (bromodomain PHD finger transcription factor; plus strand). Cytogenetic location: 17q24.2.
Variant type: single nucleotide variant.
Coding change: c.7942G>C on transcript NM_182641.4 (MANE Select); coding-DNA position 7942, G replaced by C.
Protein change: p.Asp2648His; replaces aspartic acid 2648 with histidine.
Molecular consequence: missense variant.
Genome position (GRCh38, 1-based): chr17:67,959,556, G>C. VCF-style: chr17-67959556-G-C. GRCh37 (hg19) VCF-style: chr17-65955672-G-C.
Other names: c.7891G>C, p.Asp2631His (NM_004459.7); c.7891G>C (NM_004459.6); short protein forms D2631H, D2648H.
Identifiers: ClinVar variation 3134910 (VCV003134910.2), dbSNP rs1438357570, ClinGen allele CA400729580.
Genomic context (GRCh38, chr17:67,959,556, plus strand): 5'-ACATGACTCTAATGATAGTCTTGTATTGTCTTTAATTGATAACAGGAAGAGCTGAAGAGA[G>C]ACCTGAAAATTAAGAAAGAAAAAGACCTGATGCAGTTGGCTCAGGCCACAGCAGTAGCTG-3'
Protein context (NP_872579.2, residues 2638-2658): QIEVQEELKR[Asp2648His]LKIKKEKDLM

ClinVar aggregate classification (germline): Uncertain significance. Review status: criteria provided, multiple submitters, no conflicts (2 of 4 stars). 2 submissions from 2 submitters: Uncertain significance (2). Last evaluated 2026-02-17.

Conditions:
Inborn genetic diseases. Identifiers: MedGen C0950123, MeSH D030342.

Allele frequency attached by ClinVar (database versions not stated): TOPMed below 0.00001; gnomAD 0.00001.
gnomAD v4.1: 1 of 1,523,624 alleles (0.000066%); highest among the groups gnomAD compares: Non-Finnish European, 0.000088%; no homozygotes.

Submissions (2):

GeneDx
Classification: Uncertain significance. Last evaluated: 2026-02-17. Review status: criteria provided, single submitter. Criteria: GeneDx Variant Classification Process June 2021. Collection method: clinical testing. Allele origin: germline.
Comment: Not observed at significant frequency in large population cohorts (gnomAD); In silico analysis supports that this missense variant has a deleterious effect on protein structure/function; Has not been previously published as pathogenic or benign to our knowledge

Ambry Genetics
Classification: Uncertain significance for Inborn genetic diseases. Last evaluated: 2024-03-08. Review status: criteria provided, single submitter. Criteria: Ambry Variant Classification Scheme 2023. Collection method: clinical testing. Allele origin: germline.